The following is an entry in ClinVar:

ClinVar aggregate classification (germline): Likely pathogenic (1 of 4 stars; one submission).

Conditions:
DRC2-related condition.

Submission:

PreventionGenetics, part of Exact Sciences
Classification: Likely pathogenic for DRC2-related condition. Last evaluated: 2025-09-04. Review status: criteria provided, single submitter. Criteria: ACMG Guidelines, 2015. Collection method: clinical testing. Allele origin: germline.
Comment: The DRC2 c.722delA variant is predicted to result in a frameshift and premature protein termination (p.Lys241Argfs*9). To our knowledge, this variant has not been reported in the literature or in a large population database (gnomAD), indicating this variant is rare. Frameshift variants in DRC2 are expected to be pathogenic. This variant is interpreted as likely pathogenic.

NM_033124.5(DRC2):c.722del (p.Lys241fs)

Gene: DRC2 (dynein regulatory complex subunit 2; plus strand). Cytogenetic location: 12q13.12.
Variant type: Deletion.
Coding change: c.722del on transcript NM_033124.5 (MANE Select); coding-DNA position 722, one base deleted (A; older notation c.722delA).
Protein change: p.Lys241fs; shifts the reading frame from lysine 241.
Molecular consequence: frameshift variant.
Genome position (GRCh38, 1-based): chr12:48,918,387, A deleted; the last of 3 consecutive A bases (chr12:48,918,385-48,918,387); deleting any one gives the same sequence. VCF-style (leftmost placement, unchanged base first): chr12-48918384-GA-G. GRCh37 (hg19) VCF-style: chr12-49312167-GA-G.
Other names: c.293del, p.Lys98fs (NM_001286957.2); short protein forms K241fs, K98fs.
Identifiers: ClinVar variation 4999834 (VCV004999834.1).
Genomic context (GRCh38, chr12:48,918,384, plus strand): 5'-AAGATCTGTGGAGAAAGTTCCAGGATGTACTCAAGAATTACACTGATGCCACAGAGGATC[GA>G]AAGGCTGCCTTTGAGACCCTGCAGGTGAAGGATGAGAAGAGCTCCAAAGAGATTGAAGTA-3'